The following is an entry in ClinVar:

ClinVar aggregate classification (germline): Uncertain significance (1 of 4 stars; one submission).

gnomAD v4.1: 1 of 1,613,980 alleles (0.000062%); highest among the groups gnomAD compares: African/African-American, 0.0013%; no homozygotes.

Submission:

Dasa
Classification: Uncertain significance. Last evaluated: 2025-11-04. Review status: criteria provided, single submitter. Criteria: DASA Assertion Criteria. Collection method: clinical testing. Allele origin: germline.
Comment: NM_020159.5(SMARCAD1):c.101C>T (p.Ser34Leu) is a missense variant that results in the substitution of serine with leucine. This variant is rare in population databases. The currently available literature and clinical evidence are not sufficient to establish a definitive association between this variant and the reported condition. Therefore, this variant is classified as a variant of uncertain significance.

NM_020159.5(SMARCAD1):c.101C>T (p.Ser34Leu)

Gene: SMARCAD1 (SNF2 related chromatin remodeling ATPase with DExD box 1; plus strand). Cytogenetic location: 4q22.3.
Variant type: single nucleotide variant.
Coding change: c.101C>T on transcript NM_020159.5 (MANE Select); coding-DNA position 101, C replaced by T.
Protein change: p.Ser34Leu; replaces serine 34 with leucine.
Molecular consequence: missense variant. On other transcripts: non-coding transcript variant (17).
Genome position (GRCh38, 1-based): chr4:94,208,495, C>T. VCF-style: chr4-94208495-C-T. GRCh37 (hg19) VCF-style: chr4-95129646-C-T.
Other names: c.101C>T, p.Ser34Leu (NM_001128429.3, NM_001128430.2, NM_001375855.1 and 3 more transcripts); short protein forms S34L.
Identifiers: ClinVar variation 4886682 (VCV004886682.2).